The following is an entry in ClinVar:

NM_001110556.2(FLNA):c.95A>G (p.Glu32Gly)

Gene: FLNA (filamin A; minus strand). Cytogenetic location: Xq28.
Variant type: single nucleotide variant.
Coding change: c.95A>G on transcript NM_001110556.2 (MANE Select); coding-DNA position 95, A replaced by G.
Protein change: p.Glu32Gly; replaces glutamic acid 32 with glycine.
Molecular consequence: missense variant.
Genome position (GRCh38, 1-based): chrX:154,371,151, T>C on the plus strand (A>G on the coding strand, the complement: FLNA is on the minus strand). VCF-style: chrX-154371151-T-C. GRCh37 (hg19) VCF-style: chrX-153599519-T-C.
Other names: c.95A>G, p.Glu32Gly (NM_001456.4); short protein forms E32G.
Identifiers: ClinVar variation 934662 (VCV000934662.11), dbSNP rs2067803278, ClinGen allele CA415255605.
Genomic context (GRCh38, chrX:154,371,151, plus strand): 5'-CAGCGCGTGAAAGTGTTCTGCTGGATCTTCTTCCACGGCGCGTCCTCCGCCAGGTCCTTC[T>C]CGGTGGCCGGCATCTCGGCGTCCCGCGTGTCGACGCCGCCGCCCGGAGCCGCGCCTGCTG-3'
Protein context (NP_001104026.1, residues 22-42): DTRDAEMPAT[Glu32Gly]KDLAEDAPWK

ClinVar aggregate classification (germline): Uncertain significance. Review status: criteria provided, multiple submitters, no conflicts (2 of 4 stars). 2 submissions from 2 submitters: Uncertain significance (2). Last evaluated 2025-04-19.

Conditions:
Frontometaphyseal dysplasia (FMD1). Identifiers: Orphanet 1826, MedGen C0265293, MONDO:0015942.
Heterotopia, periventricular, X-linked dominant (PVNH1). Also called: PERIVENTRICULAR NODULAR HETEROTOPIA 1; X-linked periventricular heterotopia; PERIVENTRICULAR NODULAR HETEROTOPIA 4; HETEROTOPIA, PERIVENTRICULAR, 1. Identifiers: Orphanet 2149, Orphanet 82004, MedGen C1848213, MONDO:0010233, OMIM 300049.
Melnick-Needles syndrome (MNS). Also called: MELNICK-NEEDLES OSTEODYSPLASTY; OSTEODYSPLASTY OF MELNICK AND NEEDLES; Melnick-Needles Syndrome (FLNA-MNS). Identifiers: Orphanet 2484, MedGen C0025237, MONDO:0010650, OMIM 309350.
Oto-palato-digital syndrome, type II (OPD2). Also called: OPD II SYNDROME; FACIOPALATOOSSEOUS SYNDROME; Otopalatodigital Syndrome Type 2 (FLNA-OPD2); Otopalatodigital Syndrome, Type II. Identifiers: Orphanet 669, Orphanet 90652, MedGen C1844696, MONDO:0010571, OMIM 304120.

Submissions (2):

GeneDx
Classification: Uncertain significance. Last evaluated: 2025-04-19. Review status: criteria provided, single submitter. Criteria: GeneDx Variant Classification Process June 2021. Collection method: clinical testing. Allele origin: germline. Affected: yes.
Comment: Not observed at significant frequency in large population cohorts (gnomAD); In silico analysis supports that this missense variant has a deleterious effect on protein structure/function; Has not been previously published as pathogenic or benign to our knowledge

Labcorp Genetics (formerly Invitae), Labcorp
Classification: Uncertain significance for Oto-palato-digital syndrome, type II; Heterotopia, periventricular, X-linked dominant; Frontometaphyseal dysplasia; Melnick-Needles syndrome. Last evaluated: 2023-06-05. Review status: criteria provided, single submitter. Criteria: Invitae Variant Classification Sherloc (09022015). Collection method: clinical testing. Allele origin: germline.
Comment: In summary, the available evidence is currently insufficient to determine the role of this variant in disease. Therefore, it has been classified as a Variant of Uncertain Significance. Advanced modeling of protein sequence and biophysical properties (such as structural, functional, and spatial information, amino acid conservation, physicochemical variation, residue mobility, and thermodynamic stability) has been performed at Invitae for this missense variant, however the output from this modeling did not meet the statistical confidence thresholds required to predict the impact of this variant on FLNA protein function. ClinVar contains an entry for this variant (Variation ID: 934662). This variant has not been reported in the literature in individuals affected with FLNA-related conditions. This variant is not present in population databases (gnomAD no frequency). This sequence change replaces glutamic acid, which is acidic and polar, with glycine, which is neutral and non-polar, at codon 32 of the FLNA protein (p.Glu32Gly).